The following is an entry in ClinVar:

NM_000059.4(BRCA2):c.10095_10096insGAATTATATCT (p.Ser3366fs)

Gene: BRCA2 (BRCA2 DNA repair associated; plus strand). Cytogenetic location: 13q13.1.
Variant type: Insertion.
Coding change: c.10095_10096insGAATTATATCT on transcript NM_000059.4 (MANE Select); coding-DNA positions 10095 to 10096, GAATTATATCT inserted.
Protein change: p.Ser3366fs; shifts the reading frame from serine 3366.
Molecular consequence: frameshift variant.
Genome position: GRCh38 VCF-style: chr13-32398608-C-CGAATTATATCT. GRCh37 (hg19) VCF-style: chr13-32972745-C-CGAATTATATCT.
Other names: short protein forms S3366fs.
Identifiers: ClinVar variation 182305 (VCV000182305.2), dbSNP rs730881599, ClinGen allele CA010217.

ClinVar aggregate classification (germline): Likely benign. Review status: criteria provided, single submitter (1 of 4 stars). 2 submissions from 2 submitters: Likely benign (1). 1 of the submissions does not count toward it. Last evaluated 2015-03-03.

Conditions:
Breast-ovarian cancer, familial, susceptibility to, 2 (BROVCA2). Also called: BRCA2 Hereditary Breast and Ovarian Cancer. Identifiers: Orphanet 145, MedGen C2675520, MONDO:0012933, OMIM 612555. Disease mechanism: loss of function.

Submissions (2):

GeneDx
Classification: Likely benign. Last evaluated: 2015-03-03. Review status: criteria provided, single submitter. Criteria: GeneDx Variant Classification (06012015). Collection method: clinical testing. Allele origin: germline. Affected: yes.
Comment: This variant is considered likely benign or benign based on one or more of the following criteria: it is a conservative change, it occurs at a poorly conserved position in the protein, it is predicted to be benign by multiple in silico algorithms, and/or has population frequency not consistent with disease. This variant was found in TSCA-BRCAV1-1,HEREDICANCER,BR-OV-HEREDIC

Diagnostics Centre, Carl Von Ossietzky University Oldenburg
Classification: Uncertain significance for Breast-ovarian cancer, familial, susceptibility to, 2. Last evaluated: 2024-07-23. Review status: no assertion criteria provided. Collection method: clinical testing. Allele origin: germline. Affected: yes. Observed: 1 variant allele. Not counted in ClinVar's aggregate classification.
Comment: The variant results from an 11-base insertion at nucleotide position c.10095, causes a frameshift at protein position 3366 and the formation of a premature stop codon after 21 amino acids. The variant affects an exon [27/27] present in biologically relevant transcript in a gene where loss-of-function is a known mechanism of disease. The variant is not predicted to cause protein absent/truncation due to non-sense mediated decay. The variant has been classified as likely benign in one entry in ClinVar (ClinvarID: 182305). The variant is classified as very rare since it is absent in gnomAD v4.1.0. In summary, this variant is classified as a variant of unclear significance.